The following is an entry in ClinVar:

ClinVar aggregate classification (germline): Uncertain significance (1 of 4 stars; one submission).

Conditions:
Cardiovascular phenotype. Identifiers: MedGen CN230736.

gnomAD v4.1: 3 of 1,614,130 alleles (0.00019%); highest among the groups gnomAD compares: Non-Finnish European, 0.00025%; no homozygotes.

Submission:

Ambry Genetics
Classification: Uncertain significance for Cardiovascular phenotype. Last evaluated: 2024-11-18. Review status: criteria provided, single submitter. Criteria: Ambry Variant Classification Scheme 2023. Collection method: clinical testing. Allele origin: germline.
Comment: The p.I1012M variant (also known as c.3036A>G), located in coding exon 24 of the JAG1 gene, results from an A to G substitution at nucleotide position 3036. The isoleucine at codon 1012 is replaced by methionine, an amino acid with highly similar properties. This amino acid position is conserved. In addition, this alteration is predicted to be deleterious by in silico analysis. Based on the available evidence, the clinical significance of this variant remains unclear.

NM_000214.3(JAG1):c.3036A>G (p.Ile1012Met)

Gene: JAG1 (jagged canonical Notch ligand 1; minus strand). Cytogenetic location: 20p12.2.
Variant type: single nucleotide variant.
Coding change: c.3036A>G on transcript NM_000214.3 (MANE Select); coding-DNA position 3036, A replaced by G.
Protein change: p.Ile1012Met; replaces isoleucine 1012 with methionine.
Molecular consequence: missense variant.
Genome position (GRCh38, 1-based): chr20:10,641,125, T>C on the plus strand (A>G on the coding strand, the complement: JAG1 is on the minus strand). VCF-style: chr20-10641125-T-C. GRCh37 (hg19) VCF-style: chr20-10621773-T-C.
Other names: short protein forms I1012M.
Identifiers: ClinVar variation 3531196 (VCV003531196.1).